The following is an entry in ClinVar:

ClinVar aggregate classification (germline): Likely benign (1 of 4 stars; one submission).

Submission:

CeGaT Center for Human Genetics Tuebingen
Classification: Likely benign. Last evaluated: 2023-01-01. Review status: criteria provided, single submitter. Criteria: CeGaT Center For Human Genetics Tuebingen Variant Classification Criteria Version 2. Collection method: clinical testing. Allele origin: germline. Affected: yes. Observed: 1 variant allele.
Comment: PAK1: PM2:Supporting, BP4, BP7

NM_002576.5(PAK1):c.495T>G (p.Ser165=)

Gene: PAK1 (p21 (RAC1) activated kinase 1; minus strand). Cytogenetic location: 11q13.5.
Variant type: single nucleotide variant.
Coding change: c.495T>G on transcript NM_002576.5 (MANE Select); coding-DNA position 495, T replaced by G.
Protein change: p.Ser165=; no amino-acid change (serine 165 retained).
Molecular consequence: synonymous variant. On other transcripts: non-coding transcript variant (2).
Genome position (GRCh38, 1-based): chr11:77,359,000, A>C on the plus strand (T>G on the coding strand, the complement: PAK1 is on the minus strand). VCF-style: chr11-77359000-A-C. GRCh37 (hg19) VCF-style: chr11-77070045-A-C.
Other names: c.495T>G, p.Ser165= (NM_001128620.2, NM_001376268.1, NM_001376269.1 and 26 more transcripts); c.516T>G, p.Ser172= (NM_001376272.1); c.246T>G, p.Ser82= (NM_001376301.1); c.201T>G, p.Ser67= (NM_001376302.1, NM_001376304.1, NM_001376305.1).
Identifiers: ClinVar variation 2642188 (VCV002642188.24), dbSNP rs2540433382, ClinGen allele CA476029391.